The following is an entry in ClinVar:

NM_001009944.3(PKD1):c.7655_7658dup (p.Val2554fs)

Gene: PKD1 (polycystin 1, transient receptor potential channel interacting; minus strand). Cytogenetic location: 16p13.3.
Variant type: Duplication.
Coding change: c.7655_7658dup on transcript NM_001009944.3 (MANE Select); coding-DNA positions 7655 to 7658, 4 bases duplicated (CCGT; older notation c.7655_7658dupCCGT).
Protein change: p.Val2554fs; shifts the reading frame from valine 2554.
Molecular consequence: frameshift variant.
Genome position (GRCh38, 1-based): chr16:2,106,136-2,106,139, ACGG duplicated on the plus strand (CCGT on the coding strand, the reverse complement: PKD1 is on the minus strand). VCF-style (leftmost placement, unchanged base first): chr16-2106135-C-CACGG. GRCh37 (hg19) VCF-style: chr16-2156136-C-CACGG.
Other names: c.7655_7658dup, p.Val2554fs (NM_000296.4); c.7655_7658dupCCGT (NM_001009944.2); short protein forms V2554fs.
Identifiers: ClinVar variation 3344609 (VCV003344609.2).
Genomic context (GRCh38, chr16:2,106,135, plus strand): 5'-CCACGGCCTGGCTCACCTGTTGAGGGCGACCACAGCGGCTCCCAGCTGGTCCTGCACCAC[C>CACGG]ACGGCCAGGCCCACCTCGAAGTGTGGCCTGAAACCCGGGGGCAGCACGGCTCCGTAGCTG-3'

ClinVar aggregate classification (germline): Likely pathogenic. Review status: criteria provided, single submitter (1 of 4 stars). 2 submissions from 2 submitters: Likely pathogenic (1). 1 of the submissions does not count toward it. Last evaluated 2022-04-29.

Conditions:
PKD1-related disorder. Also called: PKD1-related condition.

Submissions (2):

Blueprint Genetics
Classification: Likely pathogenic for PKD1-related disorders. Last evaluated: 2022-04-29. Review status: criteria provided, single submitter. Criteria: ACMG Guidelines, 2015. Collection method: clinical testing. Allele origin: germline. Affected: yes. Observed: 1 variant allele.

PreventionGenetics, part of Exact Sciences
Classification: Pathogenic for PKD1-related condition. Last evaluated: 2024-09-09. Review status: no assertion criteria provided. Collection method: clinical testing. Allele origin: germline. Not counted in ClinVar's aggregate classification.
Comment: The PKD1 c.7655_7658dupCCGT variant is predicted to result in a frameshift and premature protein termination (p.Val2554Argfs*42). To our knowledge, this variant has not been reported in the literature or in a large population database, indicating this variant is rare. Frameshift variants in PKD1 are expected to be pathogenic. This variant is interpreted as pathogenic.